The following is an entry in ClinVar:

ClinVar aggregate classification (germline): Pathogenic (1 of 4 stars; one submission).

Conditions:
Hereditary angioedema type 1 (HAE1). Identifiers: Orphanet 100050, Orphanet 100051, Orphanet 91378, MedGen C2717906, MONDO:0015053, OMIM 106100.

Submission:

DNA-diagnostics Laboratory, Research Centre For Medical Genetics
Classification: Pathogenic for Hereditary angioedema type 1. Last evaluated: 2024-08-12. Review status: criteria provided, single submitter. Criteria: ACMG Guidelines, 2015. Collection method: research. Allele origin: germline. Inheritance: Autosomal dominant inheritance. Affected: yes. Observed: 2 variant alleles, 2 heterozygotes.
Comment: The pathogenic or likely pathogenic SERPING1 gene variants are detected in >90% of the HAE1/2 families and in >80% of the total HAE families (e.g., DOI: 10.1016/j.molimm.2008.05.007, 10.1159/2F000138883, 10.1016/j.molimm.2011.07.010). In summary, the c.779_780del variant in SERPING1 meets ACMG/ClinGen SVI guidance criteria to be classified as pathogenic: PVS1, PP4_Str, PM2_Sup

NM_000062.3(SERPING1):c.779_780del (p.Glu260fs)

Gene: SERPING1 (serpin family G member 1; plus strand). Cytogenetic location: 11q12.1.
Variant type: Deletion.
Coding change: c.779_780del on transcript NM_000062.3 (MANE Select); coding-DNA positions 779 to 780, 2 bases deleted (AG; older notation c.779_780delAG).
Protein change: p.Glu260fs; shifts the reading frame from glutamic acid 260.
Molecular consequence: frameshift variant.
Genome position (GRCh38, 1-based): chr11:57,606,103-57,606,104, AG deleted; deleting any 2 consecutive bases within chr11:57,606,102-57,606,104 gives the same sequence; the c. name uses the placement nearest the transcript's 3' end. VCF-style (leftmost placement, unchanged base first): chr11-57606101-GGA-G. GRCh37 (hg19) VCF-style: chr11-57373574-GGA-G.
Other names: c.779_780del, p.Glu260fs (NM_001032295.2); short protein forms E260fs.
Identifiers: ClinVar variation 3336809 (VCV003336809.2).
Genomic context (GRCh38, chr11:57,606,101, plus strand): 5'-CTCTCGGACCCTGTACAGCAGCAGCCCCAGAGTCCTAAGCAACAACAGTGACGCCAACTT[GGA>G]GCTCATCAACACCTGGGTGGCCAAGAACACCAACAACAAGATCAGCCGGCTGCTAGACAG-3'